The following is an entry in ClinVar:

NM_002299.4(LCT):c.2772C>T (p.Ala924=)

Gene: LCT (lactase; minus strand). Cytogenetic location: 2q21.3.
Variant type: single nucleotide variant.
Coding change: c.2772C>T on transcript NM_002299.4 (MANE Select); coding-DNA position 2772, C replaced by T.
Protein change: p.Ala924=; no amino-acid change (alanine 924 retained).
Molecular consequence: synonymous variant.
Genome position (GRCh38, 1-based): chr2:135,809,575, G>A on the plus strand (C>T on the coding strand, the complement: LCT is on the minus strand). VCF-style: chr2-135809575-G-A. GRCh37 (hg19) VCF-style: chr2-136567145-G-A.
Identifiers: ClinVar variation 3042980 (VCV003042980.2), dbSNP rs374241792, ClinGen allele CA1888162.

ClinVar aggregate classification (germline): Likely benign (0 of 4 stars; one submission).

Conditions:
LCT-related disorder. Also called: LCT-related condition.

Allele frequency attached by ClinVar (database versions not stated): gnomAD 0.00001; ESP Exome Variant Server 0.00008.
gnomAD v4.1: 29 of 1,614,090 alleles (0.0018%); highest among the groups gnomAD compares: South Asian, 0.0055%; no homozygotes.

Submission:

PreventionGenetics, part of Exact Sciences
Classification: Likely benign for LCT-related condition. Last evaluated: 2019-06-24. Review status: no assertion criteria provided. Collection method: clinical testing. Allele origin: germline.
Comment: This variant is classified as likely benign based on ACMG/AMP sequence variant interpretation guidelines (Richards et al. 2015 PMID: 25741868, with internal and published modifications).